The following is an entry in ClinVar:

NM_001173467.3(SP7):c.1288G>A (p.Glu430Lys)

Gene: SP7 (Sp7 transcription factor; minus strand). Cytogenetic location: 12q13.13.
Variant type: single nucleotide variant.
Coding change: c.1288G>A on transcript NM_001173467.3 (MANE Select); coding-DNA position 1288, G replaced by A.
Protein change: p.Glu430Lys; replaces glutamic acid 430 with lysine.
Molecular consequence: missense variant.
Genome position (GRCh38, 1-based): chr12:53,328,154, C>T on the plus strand (G>A on the coding strand, the complement: SP7 is on the minus strand). VCF-style: chr12-53328154-C-T. GRCh37 (hg19) VCF-style: chr12-53721938-C-T.
Other names: c.1234G>A, p.Glu412Lys (NM_001300837.2); c.1288G>A, p.Glu430Lys (NM_152860.2); short protein forms E412K, E430K.
Identifiers: ClinVar variation 3681220 (VCV003681220.2).

ClinVar aggregate classification (germline): Uncertain significance (1 of 4 stars; one submission).

gnomAD v4.1: 36 of 1,610,616 alleles (0.0022%); highest among the groups gnomAD compares: Non-Finnish European, 0.0031%; no homozygotes.

Submission:

Labcorp Genetics (formerly Invitae), Labcorp
Classification: Uncertain significance. Last evaluated: 2024-04-10. Review status: criteria provided, single submitter. Criteria: Invitae Variant Classification Sherloc (09022015). Collection method: clinical testing. Allele origin: germline.
Comment: This sequence change replaces glutamic acid, which is acidic and polar, with lysine, which is basic and polar, at codon 430 of the SP7 protein (p.Glu430Lys). The frequency data for this variant in the population databases is considered unreliable, as metrics indicate poor data quality at this position in the gnomAD database. This variant has not been reported in the literature in individuals affected with SP7-related conditions. An algorithm developed to predict the effect of missense changes on protein structure and function (PolyPhen-2) suggests that this variant is likely to be disruptive. In summary, the available evidence is currently insufficient to determine the role of this variant in disease. Therefore, it has been classified as a Variant of Uncertain Significance.